The following is an entry in ClinVar:

NM_052867.4(NALCN):c.2520C>T (p.Val840=)

Gene: NALCN (sodium leak channel, non-selective; minus strand). Cytogenetic location: 13q33.1.
Variant type: single nucleotide variant.
Coding change: c.2520C>T on transcript NM_052867.4 (MANE Select); coding-DNA position 2520, C replaced by T.
Protein change: p.Val840=; no amino-acid change (valine 840 retained).
Molecular consequence: synonymous variant.
Genome position (GRCh38, 1-based): chr13:101,107,546, G>A on the plus strand (C>T on the coding strand, the complement: NALCN is on the minus strand). VCF-style: chr13-101107546-G-A. GRCh37 (hg19) VCF-style: chr13-101759897-G-A.
Other names: p.Val840=; c.2607C>T, p.Val869= (NM_001350748.2); c.2520C>T, p.Val840= (NM_001350749.2); c.2433C>T, p.Val811= (NM_001350750.2, NM_001350751.2).
Identifiers: ClinVar variation 262257 (VCV000262257.16), dbSNP rs34513106, ClinGen allele CA7035683.
Genomic context (GRCh38, chr13:101,107,546, plus strand): 5'-CGCGTTGAAGCGTGCTCGGACCACCACCCGGCAAAAGTTTCTGAACCTGTGTTCTCGCCC[G>A]ACAATGAACAGTGGCTTATCGAAGTATGGGTGGTTCTCTCTGAGTTCCTCTTCTTGCACT-3'
Protein context (NP_443099.1, residues 830-850): HPYFDKPLFI[Val840=]GREHRFRNFC

ClinVar aggregate classification (germline): Benign. Review status: criteria provided, multiple submitters, no conflicts (2 of 4 stars). 6 submissions from 6 submitters: Benign (6). Last evaluated 2026-02-03.

Allele frequency attached by ClinVar (database versions not stated): gnomAD exomes 0.00879; ExAC 0.00918; 1000 Genomes Project 0.01118; 1000 Genomes Project 30x 0.01202; gnomAD 0.01324 and 0.01366; ESP Exome Variant Server 0.01392; TOPMed 0.01441.
gnomAD v4.1: 14,329 of 1,614,104 alleles (0.89%); highest among the groups gnomAD compares: African/African-American, 2.7%; 124 homozygotes.

Submissions (6):

Labcorp Genetics (formerly Invitae), Labcorp
Classification: Benign. Last evaluated: 2026-02-03. Review status: criteria provided, single submitter. Criteria: Invitae Variant Classification Sherloc (09022015). Collection method: clinical testing. Allele origin: germline.

Blueprint Genetics
Classification: Benign. Last evaluated: 2024-11-26. Review status: criteria provided, single submitter. Criteria: ACMG Guidelines, 2015. Collection method: clinical testing. Allele origin: germline.

Mayo Clinic Laboratories, Mayo Clinic
Classification: Benign. Last evaluated: 2023-06-30. Review status: criteria provided, single submitter. Criteria: ACMG Guidelines, 2015. Collection method: clinical testing. Allele origin: germline. Observed: 3 variant alleles.
Comment: BS1, BS2, BP4, BP7

GeneDx
Classification: Benign. Last evaluated: 2018-08-06. Review status: criteria provided, single submitter. Criteria: GeneDx Variant Classification Process June 2021. Collection method: clinical testing. Allele origin: germline. Affected: yes.

Breakthrough Genomics
Classification: Benign. Review status: criteria provided, single submitter. Criteria: ACMG Guidelines, 2015. Collection method: not provided. Allele origin: germline. Inheritance: Autosomal recessive inheritance. Affected: yes.

PreventionGenetics, part of Exact Sciences
Classification: Benign. Review status: criteria provided, single submitter. Criteria: ACMG Guidelines, 2015. Collection method: clinical testing. Allele origin: germline.